The following is an entry in ClinVar:

NM_032119.4(ADGRV1):c.6383G>A (p.Arg2128Gln)

Gene: ADGRV1 (adhesion G protein-coupled receptor V1; plus strand). Cytogenetic location: 5q14.3.
Variant type: single nucleotide variant.
Coding change: c.6383G>A on transcript NM_032119.4 (MANE Select); coding-DNA position 6383, G replaced by A.
Protein change: p.Arg2128Gln; replaces arginine 2128 with glutamine.
Molecular consequence: missense variant. On other transcripts: non-coding transcript variant (1).
Genome position (GRCh38, 1-based): chr5:90,685,888, G>A. VCF-style: chr5-90685888-G-A. GRCh37 (hg19) VCF-style: chr5-89981705-G-A.
Other names: short protein forms R2128Q.
Identifiers: ClinVar variation 178361 (VCV000178361.46), dbSNP rs149390094, ClinGen allele CA182181.

ClinVar aggregate classification (germline): Benign/Likely benign. Review status: criteria provided, multiple submitters, no conflicts (2 of 4 stars). 8 submissions from 8 submitters: Benign (3); Likely benign (5). Last evaluated 2026-07-01.

Conditions:
Usher syndrome type 2C. Also called: USHER SYNDROME, TYPE IIC; Usher syndrome, type 2B. Identifiers: Orphanet 231178, Orphanet 886, MedGen C2931213, MONDO:0011558, OMIM 605472.

Allele frequency attached by ClinVar (database versions not stated): ESP Exome Variant Server 0.00313; gnomAD 0.00330 and 0.00306; TOPMed 0.00367; gnomAD exomes 0.00085; ExAC 0.00105; 1000 Genomes Project 30x 0.00250; 1000 Genomes Project 0.00260.
gnomAD v4.1: 981 of 1,612,308 alleles (0.061%); highest among the groups gnomAD compares: African/African-American, 1.1%; 5 homozygotes.

Submissions (8):

CeGaT Center for Human Genetics Tuebingen
Classification: Likely benign. Last evaluated: 2026-07-01. Review status: criteria provided, single submitter. Criteria: CeGaT Center For Human Genetics Tuebingen Variant Classification Criteria Version 2. Collection method: clinical testing. Allele origin: germline. Affected: yes. Observed: 3 variant alleles.
Comment: ADGRV1: BP4, BS1

Labcorp Genetics (formerly Invitae), Labcorp
Classification: Benign. Last evaluated: 2026-01-24. Review status: criteria provided, single submitter. Criteria: Invitae Variant Classification Sherloc (09022015). Collection method: clinical testing. Allele origin: germline.

Genomic Medicine Center of Excellence, King Faisal Specialist Hospital and Research Centre
Classification: Likely benign. Last evaluated: 2025-08-18. Review status: criteria provided, single submitter. Criteria: ACMG Guidelines, 2015. Collection method: clinical testing. Allele origin: germline.

Blueprint Genetics
Classification: Likely benign. Last evaluated: 2024-11-22. Review status: criteria provided, single submitter. Criteria: ACMG Guidelines, 2015. Collection method: clinical testing. Allele origin: germline.

GeneDx
Classification: Benign. Last evaluated: 2019-01-29. Review status: criteria provided, single submitter. Criteria: GeneDx Variant Classification Process June 2021. Collection method: clinical testing. Allele origin: germline. Affected: yes.

Illumina Laboratory Services, Illumina
Classification: Likely benign for Usher syndrome type 2C. Last evaluated: 2018-01-12. Review status: criteria provided, single submitter. Criteria: ICSL Variant Classification Criteria 13 December 2019. Collection method: clinical testing. Allele origin: germline.
Comment: This variant was observed in the ICSL laboratory as part of a predisposition screen in an ostensibly healthy population. It had not been previously curated by ICSL or reported in the Human Gene Mutation Database (HGMD: prior to June 1st, 2018), and was therefore a candidate for classification through an automated scoring system. Utilizing variant allele frequency, disease prevalence and penetrance estimates, and inheritance mode, an automated score was calculated to assess if this variant is too frequent to cause the disease. Based on the score and internal cut-off values, a variant classified as likely benign is not then subjected to further curation. The score for this variant resulted in a classification of likely benign for this disease.

Laboratory for Molecular Medicine, Mass General Brigham Personalized Medicine
Classification: Benign. Last evaluated: 2012-04-30. Review status: criteria provided, single submitter. Criteria: LMM Criteria. Collection method: clinical testing. Allele origin: germline. Observed: 8 variant alleles.
Comment: Arg2128Gln in Exon 29 of GPR98: This variant is not expected to have clinical si gnificance because it has been identified in 0.7% (23/3168) of African American chromosomes from a broad population by the NHLBI Exome Sequencing Project (dbSNP rs149390094).

Breakthrough Genomics
Classification: Likely benign. Review status: criteria provided, single submitter. Criteria: ACMG Guidelines, 2015. Collection method: not provided. Allele origin: germline. Inheritance: Autosomal recessive inheritance. Affected: yes.